The following is an entry in ClinVar:

NM_006648.4(WNK2):c.442G>A (p.Ala148Thr)

Gene: WNK2 (WNK lysine deficient protein kinase 2; plus strand). Cytogenetic location: 9q22.31.
Variant type: single nucleotide variant.
Coding change: c.442G>A on transcript NM_006648.4 (MANE Select); coding-DNA position 442, G replaced by A.
Protein change: p.Ala148Thr; replaces alanine 148 with threonine.
Molecular consequence: missense variant.
Genome position (GRCh38, 1-based): chr9:93,185,371, G>A. VCF-style: chr9-93185371-G-A. GRCh37 (hg19) VCF-style: chr9-95947653-G-A.
Other names: c.442G>A, p.Ala148Thr (NM_001282394.3); short protein forms A148T.
Identifiers: ClinVar variation 4866551 (VCV004866551.1).

ClinVar aggregate classification (germline): Uncertain significance (1 of 4 stars; one submission).

Submission:

Ambry Genetics
Classification: Uncertain significance. Last evaluated: 2026-03-30. Review status: criteria provided, single submitter. Criteria: Ambry Variant Classification Scheme 2023. Collection method: clinical testing. Allele origin: germline.
Comment: The p.A148T variant (also known as c.442G>A), located in coding exon 1 of the WNK2 gene, results from a G to A substitution at nucleotide position 442. The alanine at codon 148 is replaced by threonine, an amino acid with similar properties. This amino acid position is conserved. In addition, this alteration is predicted to be tolerated by in silico analysis. Based on the available evidence, the clinical significance of this variant remains unclear.